The following is an entry in ClinVar:

NM_004104.5(FASN):c.1850C>T (p.Pro617Leu)

Gene: FASN (fatty acid synthase; minus strand). Cytogenetic location: 17q25.3.
Variant type: single nucleotide variant.
Coding change: c.1850C>T on transcript NM_004104.5 (MANE Select); coding-DNA position 1850, C replaced by T.
Protein change: p.Pro617Leu; replaces proline 617 with leucine.
Molecular consequence: missense variant.
Genome position (GRCh38, 1-based): chr17:82,090,395, G>A on the plus strand (C>T on the coding strand, the complement: FASN is on the minus strand). VCF-style: chr17-82090395-G-A. GRCh37 (hg19) VCF-style: chr17-80048271-G-A.
Other names: short protein forms P617L.
Identifiers: ClinVar variation 462012 (VCV000462012.16), dbSNP rs45444391, ClinGen allele CA8853012.

ClinVar aggregate classification (germline): Likely benign. Review status: criteria provided, multiple submitters, no conflicts (2 of 4 stars). 3 submissions from 3 submitters: Likely benign (2). 1 of the submissions does not count toward it. Last evaluated 2025-12-26.

Conditions:
FASN-related disorder. Also called: FASN-related condition.
Epileptic encephalopathy. Identifiers: MedGen C0543888, HP:0200134.

Allele frequency attached by ClinVar (database versions not stated): ExAC 0.00162; 1000 Genomes Project 0.00080; gnomAD 0.00084 and 0.00085; TOPMed 0.00092; gnomAD exomes 0.00093 and 0.00145; 1000 Genomes Project 30x 0.00094; ESP Exome Variant Server 0.00109.
gnomAD v4.1: 2,208 of 1,593,704 alleles (0.14%); highest among the groups gnomAD compares: Non-Finnish European, 0.17%; 6 homozygotes.

Submissions (3):

Labcorp Genetics (formerly Invitae), Labcorp
Classification: Likely benign for Epileptic encephalopathy. Last evaluated: 2025-12-26. Review status: criteria provided, single submitter. Criteria: Invitae Variant Classification Sherloc (09022015). Collection method: clinical testing. Allele origin: germline.

Breakthrough Genomics
Classification: Likely benign. Review status: criteria provided, single submitter. Criteria: ACMG Guidelines, 2015. Collection method: not provided. Allele origin: germline. Inheritance: Unknown mechanism. Affected: yes.

PreventionGenetics, part of Exact Sciences
Classification: Likely benign for FASN-related condition. Last evaluated: 2022-03-28. Review status: no assertion criteria provided. Collection method: clinical testing. Allele origin: germline. Not counted in ClinVar's aggregate classification.
Comment: This variant is classified as likely benign based on ACMG/AMP sequence variant interpretation guidelines (Richards et al. 2015 PMID: 25741868, with internal and published modifications).